The following is an entry in ClinVar:

NM_002907.4(RECQL):c.545C>A (p.Ser182Tyr)

Gene: RECQL (RecQ like helicase; minus strand). Cytogenetic location: 12p12.1.
Variant type: single nucleotide variant.
Coding change: c.545C>A on transcript NM_002907.4 (MANE Select); coding-DNA position 545, C replaced by A.
Protein change: p.Ser182Tyr; replaces serine 182 with tyrosine.
Molecular consequence: missense variant.
Genome position (GRCh38, 1-based): chr12:21,483,531, G>T on the plus strand (C>A on the coding strand, the complement: RECQL is on the minus strand). VCF-style: chr12-21483531-G-T. GRCh37 (hg19) VCF-style: chr12-21636465-G-T.
Other names: c.545C>A, p.Ser182Tyr (NM_032941.3); short protein forms S182Y.
Identifiers: ClinVar variation 1747652 (VCV001747652.4), dbSNP rs756763334, ClinGen allele CA6479035.

ClinVar aggregate classification (germline): Uncertain significance (1 of 4 stars; one submission).

Allele frequency attached by ClinVar (database versions not stated): TOPMed below 0.00001; ExAC 0.00001.

Submission:

Ambry Genetics
Classification: Uncertain significance. Last evaluated: 2025-07-16. Review status: criteria provided, single submitter. Criteria: Ambry Variant Classification Scheme 2023. Collection method: clinical testing. Allele origin: germline.
Comment: The p.S182Y variant (also known as c.545C>A), located in coding exon 5 of the RECQL gene, results from a C to A substitution at nucleotide position 545. The serine at codon 182 is replaced by tyrosine, an amino acid with dissimilar properties. This amino acid position is well conserved in available vertebrate species. In addition, this alteration is predicted to be tolerated by in silico analysis. Since supporting evidence is limited at this time, the clinical significance of this alteration remains unclear.